The following is an entry in ClinVar:

NM_005670.4(EPM2A):c.722G>A (p.Arg241Gln)

Gene: EPM2A (EPM2A glucan phosphatase, laforin; minus strand). Cytogenetic location: 6q24.3.
Variant type: single nucleotide variant.
Coding change: c.722G>A on transcript NM_005670.4 (MANE Select); coding-DNA position 722, G replaced by A.
Protein change: p.Arg241Gln; replaces arginine 241 with glutamine.
Molecular consequence: missense variant. On other transcripts: synonymous variant (1), non-coding transcript variant (1).
Genome position (GRCh38, 1-based): chr6:145,627,690, C>T on the plus strand (G>A on the coding strand, the complement: EPM2A is on the minus strand). VCF-style: chr6-145627690-C-T. GRCh37 (hg19) VCF-style: chr6-145948826-C-T.
Other names: p.R241Q:CGA>CAA; c.722G>A, p.Arg241Gln (NM_001018041.2); c.480G>A, p.Pro160= (NM_001360057.2); c.308G>A, p.Arg103Gln (NM_001360064.2, NM_001360071.2, NM_001368131.1); c.260G>A, p.Arg87Gln (NM_001368129.2, NM_001368132.1); short protein forms R241Q, R103Q, R87Q.
Identifiers: ClinVar variation 205435 (VCV000205435.36), dbSNP rs146321088, ClinGen allele CA314503.
Genomic context (GRCh38, chr6:145,627,690, plus strand): 5'-ATGTGTCCCTTCTCCAGCAGCGCATGCAGCAGGCACACCGCCTGGGGCAGCATCTGTACT[C>T]GGCCTGCGGTGGGGAAAGCACAGCACACATGTGAATAACTAAACCACCAGATACCGCCGC-3'
Protein context (NP_005661.1, residues 231-251): MPTPDMSTEG[Arg241Gln]VQMLPQAVCL

ClinVar aggregate classification (germline): Conflicting classifications of pathogenicity. Review status: criteria provided, conflicting classifications (1 of 4 stars). 11 submissions from 11 submitters: Uncertain significance (7); Likely benign (3). 1 of the submissions does not count toward it. Last evaluated 2026-01-28.

Conditions:
Myoclonic epilepsy of Lafora 1 (MELF1). Also called: EPILEPSY, PROGRESSIVE MYOCLONIC, 2A; Epilepsy, progressive myoclonic 2A (Lafora); LAFORA DISEASE 1; EPM2A-Related Lafora Disease. Identifiers: MedGen CN377204, MONDO:0958199, OMIM 254780.
EPM2A-related disorder. Also called: EPM2A-related condition.
Inborn genetic diseases. Identifiers: MedGen C0950123, MeSH D030342.
Progressive myoclonic epilepsy. Also called: Myoclonus epilepsy; Myoclonic Epilepsies, Progressive; Progressive myoclonus epilepsy; Familial progressive myoclonic epilepsy. Identifiers: Orphanet 308, Orphanet 98261, MedGen C0751778, MONDO:0020074.
Lafora disease. Also called: Progressive Myoclonus Epilepsy, Lafora Type; Epilepsy progressive myoclonic 2. Identifiers: Orphanet 501, MedGen C0751783, MONDO:0009697.

Allele frequency attached by ClinVar (database versions not stated): gnomAD exomes 0.00033; ExAC 0.00048; 1000 Genomes Project 0.00120; 1000 Genomes Project 30x 0.00125; ESP Exome Variant Server 0.00154; gnomAD 0.00186 and 0.00197; TOPMed 0.00195.

Submissions (11):

Labcorp Genetics (formerly Invitae), Labcorp
Classification: Likely benign for Progressive myoclonic epilepsy. Last evaluated: 2026-01-28. Review status: criteria provided, single submitter. Criteria: Invitae Variant Classification Sherloc (09022015). Collection method: clinical testing. Allele origin: germline.

Ambry Genetics
Classification: Likely benign for Inborn genetic diseases. Last evaluated: 2026-01-14. Review status: criteria provided, single submitter. Criteria: Ambry Variant Classification Scheme 2023. Collection method: clinical testing. Allele origin: germline.

Blueprint Genetics
Classification: Uncertain significance. Last evaluated: 2024-08-06. Review status: criteria provided, single submitter. Criteria: ACMG Guidelines, 2015. Collection method: clinical testing. Allele origin: germline.

GeneDx
Classification: Likely benign. Last evaluated: 2020-10-22. Review status: criteria provided, single submitter. Criteria: GeneDx Variant Classification Process June 2021. Collection method: clinical testing. Allele origin: germline. Affected: yes.

Baylor Genetics
Classification: Uncertain significance for Myoclonic epilepsy of Lafora 1. Last evaluated: 2020-09-04. Review status: criteria provided, single submitter. Criteria: ACMG Guidelines, 2015. Collection method: clinical testing. Allele origin: unknown. Affected: yes.
Comment: This variant was determined to be of uncertain significance according to ACMG Guidelines, 2015 [PMID:25741868].

Mayo Clinic Laboratories, Mayo Clinic
Classification: Uncertain significance. Last evaluated: 2020-08-26. Review status: criteria provided, single submitter. Criteria: ACMG Guidelines, 2015. Collection method: clinical testing. Allele origin: germline. Observed: 1 variant allele.

New York Genome Center
Classification: Uncertain significance for Myoclonic epilepsy of Lafora 1. Last evaluated: 2020-02-13. Review status: criteria provided, single submitter. Criteria: NYGC Assertion Criteria 2020. Collection method: clinical testing. Allele origin: germline. Observed: 1 heterozygote. Study: CSER-NYCKidSeq.

Revvity Omics, Revvity
Classification: Uncertain significance for Myoclonic epilepsy of Lafora 1. Last evaluated: 2019-11-06. Review status: criteria provided, single submitter. Criteria: ACMG Guidelines, 2015. Collection method: clinical testing. Allele origin: germline.

Eurofins Ntd Llc (ga)
Classification: Uncertain significance. Last evaluated: 2017-04-24. Review status: criteria provided, single submitter. Criteria: EGL Classification Definitions 2015. Collection method: clinical testing. Allele origin: germline. Observed: 1 variant allele, 1 heterozygote.

Athena Diagnostics
Classification: Uncertain significance. Last evaluated: 2016-08-18. Review status: criteria provided, single submitter. Criteria: Athena Diagnostics Criteria. Collection method: clinical testing. Allele origin: germline.

PreventionGenetics, part of Exact Sciences
Classification: Likely benign for EPM2A-related condition. Last evaluated: 2024-01-19. Review status: no assertion criteria provided. Collection method: clinical testing. Allele origin: germline. Not counted in ClinVar's aggregate classification.
Comment: This variant is classified as likely benign based on ACMG/AMP sequence variant interpretation guidelines (Richards et al. 2015 PMID: 25741868, with internal and published modifications).